The following is an entry in ClinVar:

NM_003283.6(TNNT1):c.24A>G (p.Glu8=)

Gene: TNNT1 (troponin T1, slow skeletal type; minus strand). Cytogenetic location: 19q13.42.
Variant type: single nucleotide variant.
Coding change: c.24A>G on transcript NM_003283.6 (MANE Select); coding-DNA position 24, A replaced by G.
Protein change: p.Glu8=; no amino-acid change (glutamic acid 8 retained).
Molecular consequence: synonymous variant.
Genome position (GRCh38, 1-based): chr19:55,147,134, T>C on the plus strand (A>G on the coding strand, the complement: TNNT1 is on the minus strand). VCF-style: chr19-55147134-T-C. GRCh37 (hg19) VCF-style: chr19-55658502-T-C.
Other names: c.24A>G, p.Glu8= (NM_001126132.3, NM_001126133.3, NM_001291774.2).
Identifiers: ClinVar variation 513470 (VCV000513470.1), dbSNP rs1314161035, ClinGen allele CA508989308.
Genomic context (GRCh38, chr19:55,147,134, plus strand): 5'-GGAGAGCCTCTCCACCACTGCACGCCCCAACCCCTCCCAGTGCAGCACTCACTCCTCATA[T>C]TCCTGCTCCTCGGTGTCCGACATCCTGGTGCGGCCTAAGGACCAGAGAGAAGAGGCCCAG-3'
Protein context (NP_003274.3, residues 1-18): MSDTEEQ[Glu8=]YEEEQPEEEA

ClinVar aggregate classification (germline): Likely benign (1 of 4 stars; one submission).

Allele frequency attached by ClinVar (database versions not stated): gnomAD exomes below 0.00001.
gnomAD v4.1: 3 of 1,613,890 alleles (0.00019%); highest among the groups gnomAD compares: Admixed American, 0.0017%; no homozygotes.

Submission:

GeneDx
Classification: Likely benign. Last evaluated: 2017-11-16. Review status: criteria provided, single submitter. Criteria: GeneDx Variant Classification (06012015). Collection method: clinical testing. Allele origin: germline. Affected: yes.
Comment: This variant is considered likely benign or benign based on one or more of the following criteria: it is a conservative change, it occurs at a poorly conserved position in the protein, it is predicted to be benign by multiple in silico algorithms, and/or has population frequency not consistent with disease.